The following is an entry in ClinVar:

NM_015158.5(KANK1):c.298A>G (p.Asn100Asp)

Gene: KANK1 (KN motif and ankyrin repeat domains 1; plus strand). Cytogenetic location: 9p24.3.
Variant type: single nucleotide variant.
Coding change: c.298A>G on transcript NM_015158.5 (MANE Select); coding-DNA position 298, A replaced by G.
Protein change: p.Asn100Asp; replaces asparagine 100 with aspartic acid.
Molecular consequence: missense variant. On other transcripts: 5 prime UTR variant (12), non-coding transcript variant (1).
Genome position (GRCh38, 1-based): chr9:711,064, A>G. VCF-style: chr9-711064-A-G. GRCh37 (hg19) VCF-style: chr9-711064-A-G.
Other names: c.298A>G, p.Asn100Asp (NM_001256876.3, NM_001256877.3, NM_001354331.2 and 2 more transcripts); c.-177A>G (NM_001354333.2, NM_001354335.2, NM_001354336.2 and 9 more transcripts); short protein forms N100D.
Identifiers: ClinVar variation 1524771 (VCV001524771.9), dbSNP rs867613057, ClinGen allele CA187834306.

ClinVar aggregate classification (germline): Uncertain significance. Review status: criteria provided, multiple submitters, no conflicts (2 of 4 stars). 2 submissions from 2 submitters: Uncertain significance (2). Last evaluated 2024-04-30.

Allele frequency attached by ClinVar (database versions not stated): gnomAD exomes below 0.00001.
gnomAD v4.1: 1 of 1,613,668 alleles (0.000062%); highest among the groups gnomAD compares: Middle Eastern, 0.017%; no homozygotes.

Submissions (2):

Labcorp Genetics (formerly Invitae), Labcorp
Classification: Uncertain significance. Last evaluated: 2024-04-30. Review status: criteria provided, single submitter. Criteria: Invitae Variant Classification Sherloc (09022015). Collection method: clinical testing. Allele origin: germline.
Comment: This sequence change replaces asparagine, which is neutral and polar, with aspartic acid, which is acidic and polar, at codon 100 of the KANK1 protein (p.Asn100Asp). This variant is not present in population databases (gnomAD no frequency). This variant has not been reported in the literature in individuals affected with KANK1-related conditions. ClinVar contains an entry for this variant (Variation ID: 1524771). An algorithm developed to predict the effect of missense changes on protein structure and function (PolyPhen-2) suggests that this variant is likely to be tolerated. In summary, the available evidence is currently insufficient to determine the role of this variant in disease. Therefore, it has been classified as a Variant of Uncertain Significance.

Blueprint Genetics
Classification: Uncertain significance. Last evaluated: 2020-11-27. Review status: criteria provided, single submitter. Criteria: ACMG Guidelines, 2015. Collection method: clinical testing. Allele origin: germline.